The following is an entry in ClinVar:

ClinVar aggregate classification (germline): Likely pathogenic (1 of 4 stars; one submission).

Conditions:
Ehlers-Danlos syndrome, classic type, 1 (EDSCL1). Also called: EHLERS-DANLOS SYNDROME, GRAVIS TYPE; EHLERS-DANLOS SYNDROME, SEVERE CLASSIC TYPE; Ehlers-Danlos syndrome, type 1; Ehlers-Danlos Syndrome, Classic Type, COL5A1-Related; EDS I. Identifiers: MedGen C0268335, MONDO:0019567, OMIM 130000.
Osteogenesis imperfecta type I (OI1). Also called: OI, TYPE I; OSTEOGENESIS IMPERFECTA TARDA; OSTEOGENESIS IMPERFECTA WITH BLUE SCLERAE; Osteogenesis imperfecta type 1; Lobstein's Disease; Lobstein disease. Identifiers: Orphanet 216796, Orphanet 666, MedGen C0023931, MONDO:0008146, OMIM 166200. Disease mechanism: loss of function.

Submission:

Labcorp Genetics (formerly Invitae), Labcorp
Classification: Likely pathogenic for Osteogenesis imperfecta type I; Ehlers-Danlos syndrome, classic type, 1. Last evaluated: 2021-08-22. Review status: criteria provided, single submitter. Criteria: Invitae Variant Classification Sherloc (09022015). Collection method: clinical testing. Allele origin: germline.
Comment: This sequence change replaces glycine with tryptophan at codon 817 of the COL1A2 protein (p.Gly817Trp). The glycine residue is highly conserved and there is a large physicochemical difference between glycine and tryptophan. This variant is not present in population databases (ExAC no frequency). This variant has not been reported in the literature in individuals with COL1A2-related conditions. Advanced modeling of protein sequence and biophysical properties (such as structural, functional, and spatial information, amino acid conservation, physicochemical variation, residue mobility, and thermodynamic stability) performed at Invitae indicates that this missense variant is expected to disrupt COL1A2 protein function. This variant disrupts the triple helix domain of COL1A2. Glycine residues within the Gly-Xaa-Yaa repeats of the triple helix domain are required for the structure and stability of fibrillar collagens (PMID: 7695699, 8218237, 19344236). In COL1A2, variants affecting these glycine residues are significantly enriched in individuals with disease (PMID: 9016532, 17078022) compared to the general population (ExAC). In summary, the currently available evidence indicates that the variant is pathogenic, but additional data are needed to prove that conclusively. Therefore, this variant has been classified as Likely Pathogenic.

Literature cited by the submitters: PubMed 7695699; PubMed 8218237; PubMed 19344236; PubMed 9016532; PubMed 17078022.

NM_000089.4(COL1A2):c.2449G>T (p.Gly817Trp)

Gene: COL1A2 (collagen type I alpha 2 chain; plus strand). Cytogenetic location: 7q21.3.
Variant type: single nucleotide variant.
Coding change: c.2449G>T on transcript NM_000089.4 (MANE Select); coding-DNA position 2449, G replaced by T.
Protein change: p.Gly817Trp; replaces glycine 817 with tryptophan.
Molecular consequence: missense variant.
Genome position (GRCh38, 1-based): chr7:94,423,002, G>T. VCF-style: chr7-94423002-G-T. GRCh37 (hg19) VCF-style: chr7-94052314-G-T.
Other names: short protein forms G817W.
Identifiers: ClinVar variation 1508459 (VCV001508459.8), dbSNP rs2115941022, ClinGen allele CA368223958.